The following is an entry in ClinVar:

NM_000350.3(ABCA4):c.1552G>T (p.Glu518Ter)

Gene: ABCA4 (ATP binding cassette subfamily A member 4; minus strand). Cytogenetic location: 1p22.1.
Variant type: single nucleotide variant.
Coding change: c.1552G>T on transcript NM_000350.3 (MANE Select); coding-DNA position 1552, G replaced by T.
Protein change: p.Glu518Ter; replaces glutamic acid 518 with a stop codon.
Molecular consequence: nonsense.
Genome position (GRCh38, 1-based): chr1:94,077,692, C>A on the plus strand (G>T on the coding strand, the complement: ABCA4 is on the minus strand). VCF-style: chr1-94077692-C-A. GRCh37 (hg19) VCF-style: chr1-94543248-C-A.
Other names: c.1552G>T, p.Glu518Ter (NM_001425324.1); short protein forms E518*.
Identifiers: ClinVar variation 1074741 (VCV001074741.7), dbSNP rs369860406, ClinGen allele CA341281765.
Genomic context (GRCh38, chr1:94,077,692, plus strand): 5'-TGGCCCCACTCATGGGGCTATCTTCAAGGGGCCCACTGTGGGGCTTGCAGCCCCTTACCT[C>A]CAGGTATTGATTGACCAGGCGGAGGGTGCGATCAGTGATGTTAAATATGTCCCTCCAGTC-3'

ClinVar aggregate classification (germline): Pathogenic (1 of 4 stars; one submission).

Submission:

Labcorp Genetics (formerly Invitae), Labcorp
Classification: Pathogenic. Last evaluated: 2025-01-27. Review status: criteria provided, single submitter. Criteria: Invitae Variant Classification Sherloc (09022015). Collection method: clinical testing. Allele origin: germline.
Comment: This sequence change creates a premature translational stop signal (p.Glu518*) in the ABCA4 gene. It is expected to result in an absent or disrupted protein product. Loss-of-function variants in ABCA4 are known to be pathogenic (PMID: 10958761, 24938718, 25312043, 26780318). This variant is not present in population databases (gnomAD no frequency). This variant has not been reported in the literature in individuals affected with ABCA4-related conditions. ClinVar contains an entry for this variant (Variation ID: 1074741). For these reasons, this variant has been classified as Pathogenic.

Literature cited by the submitters: PubMed 10958761; PubMed 24938718; PubMed 25312043; PubMed 26780318.